The following is an entry in ClinVar:

ClinVar aggregate classification (germline): Pathogenic (1 of 4 stars; one submission).

Conditions:
Inherited breast cancer and ovarian cancer.

Submission:

Genetics Laboratory, Great Ormond Street Hospital NHS Foundation Trust, North Thames Genomic Laboratory Hub
Classification: Pathogenic for Inherited breast cancer and ovarian cancer. Last evaluated: 2026-04-13. Review status: criteria provided, single submitter. Criteria: CanVIG BRCA Gene Specific V1.22. Collection method: clinical testing. Allele origin: germline. Affected: yes.
Comment: PM2_moderate, PVS1_very-strong, PM5_strong

NM_000059.4(BRCA2):c.5864delinsAGT (p.Ser1955Ter)

Gene: BRCA2 (BRCA2 DNA repair associated; plus strand). Cytogenetic location: 13q13.1.
Variant type: Indel.
Coding change: c.5864delinsAGT on transcript NM_000059.4 (MANE Select); coding-DNA position 5864, C replaced by AGT.
Protein change: p.Ser1955Ter; replaces serine 1955 with a stop codon.
Molecular consequence: nonsense. On other transcripts: non-coding transcript variant (1), intron variant (2).
Genome position (GRCh38, 1-based): chr13:32,340,219, C replaced by AGT. VCF-style: chr13-32340219-C-AGT. GRCh37 (hg19) VCF-style: chr13-32914356-C-AGT.
Other names: c.5864delinsAGT, p.Ser1955Ter (NM_001406719.1, NM_001406720.1, NM_001432077.1); c.1910-4339delinsAGT (NM_001406721.1); c.425-4339delinsAGT (NM_001406722.1); short protein forms S1955*.
Identifiers: ClinVar variation 4853800 (VCV004853800.1).